The following is an entry in ClinVar:

NM_000020.3(ACVRL1):c.525+1del

Gene: ACVRL1 (activin A receptor like type 1; plus strand). Cytogenetic location: 12q13.13.
Variant type: Deletion.
Coding change: c.525+1del on transcript NM_000020.3 (MANE Select); the canonical splice donor site of the intron after coding-DNA position 525, one base deleted (G; older notation c.525+1delG).
Molecular consequence: splice donor variant. On other transcripts: intron variant (6).
Genome position (GRCh38, 1-based): chr12:51,913,771, G deleted; the last of 5 consecutive G bases (chr12:51,913,767-51,913,771); deleting any one gives the same sequence. VCF-style (leftmost placement, unchanged base first): chr12-51913766-TG-T. GRCh37 (hg19) VCF-style: chr12-52307550-TG-T.
Other names: c.525+1delG (NM_000020.2); c.525+1del (NM_001406487.1, NM_001406488.1, NM_001077401.2 and 1 more transcripts); c.313+421del (NM_001406491.1, NM_001406490.1, NM_001406492.1 and 2 more transcripts); c.62-668del (NM_001406495.1).
Identifiers: ClinVar variation 411315 (VCV000411315.13), dbSNP rs1060503249, ClinGen allele CA16613748.
Genomic context (GRCh38, chr12:51,913,766, plus strand): 5'-ACAGCGAGCTGGGAGAGTCCAGTCTCATCCTGAAAGCATCTGAGCAGGGCGACAGCATGT[TG>T]GGGGTATGGGCCTGGGGACCTGGGACACAGGGTGTAGGAGGGGCAGATAGGAACTGCAGA-3'

ClinVar aggregate classification (germline): Pathogenic. Review status: criteria provided, multiple submitters, no conflicts (2 of 4 stars). 2 submissions from 2 submitters: Pathogenic (2). Last evaluated 2026-01-08.

Conditions:
Telangiectasia, hereditary hemorrhagic, type 2 (HHT2). Also called: Telangiectasia, hereditary hemorrhagic, type II; ACVRL1-Related Hereditary Hemorrhagic Telangiectasia. Identifiers: Orphanet 774, MedGen C1838163, MONDO:0010880, OMIM 600376. Disease mechanism: loss of function.
Cardiovascular phenotype. Identifiers: MedGen CN230736.

Submissions (2):

Ambry Genetics
Classification: Pathogenic for Cardiovascular phenotype. Last evaluated: 2026-01-08. Review status: criteria provided, single submitter. Criteria: Ambry Variant Classification Scheme 2023. Collection method: clinical testing. Allele origin: germline.
Comment: The c.525+1delG intronic pathogenic mutation, located in intron 3 of the ACVRL1 gene, results from a deletion of one nucleotide within intron 3 of the ACVRL1 gene. This variant was reported in individual(s) with features consistent with hereditary hemorrhagic telangiectasias (HHT) (McDonald J et al. Clin. Genet., 2011 Apr;79:335-44; Ambry internal data). This variant is considered to be rare based on population cohorts in the Genome Aggregation Database (gnomAD). This nucleotide position is highly conserved in available vertebrate species. In silico splice site analysis predicts that this alteration will weaken the native splice donor site and will result in the creation or strengthening of a novel splice donor site. Alterations that disrupt the canonical splice site are expected to cause aberrant splicing, resulting in an abnormal protein or a transcript that is subject to nonsense-mediated mRNA decay. As such, this alteration is classified as a disease-causing mutation.

Labcorp Genetics (formerly Invitae), Labcorp
Classification: Pathogenic for Telangiectasia, hereditary hemorrhagic, type 2. Last evaluated: 2025-12-03. Review status: criteria provided, single submitter. Criteria: Invitae Variant Classification Sherloc (09022015). Collection method: clinical testing. Allele origin: germline.
Comment: This sequence change affects a splice site in intron 4 of the ACVRL1 gene. It is expected to disrupt RNA splicing. Variants that disrupt the donor or acceptor splice site typically lead to a loss of protein function (PMID: 16199547), and loss-of-function variants in ACVRL1 are known to be pathogenic (PMID: 15879500). This variant is not present in population databases (gnomAD no frequency). Disruption of this splice site has been observed in individual(s) with epistaxis and telangiectasias (PMID: 21158752; internal data). It has also been observed to segregate with disease in related individuals. ClinVar contains an entry for this variant (Variation ID: 411315). For these reasons, this variant has been classified as Pathogenic.

Literature cited by the submitters: PubMed 21158752 (cited by Ambry Genetics and Labcorp Genetics (formerly Invitae), Labcorp); PubMed 16199547 (cited by Labcorp Genetics (formerly Invitae), Labcorp); PubMed 15879500 (cited by Labcorp Genetics (formerly Invitae), Labcorp).